The following is an entry in ClinVar:

ClinVar aggregate classification (germline): Pathogenic (1 of 4 stars; one submission).

Conditions:
GMPPB-related disorder. Also called: GMPPB-related condition; GMPPB-related disorders.

Submission:

Daryl Scott Lab, Baylor College of Medicine
Classification: Pathogenic for GMPPB-related disorder. Last evaluated: 2024-01-01. Review status: criteria provided, single submitter. Criteria: ACMG Guidelines, 2015. Collection method: clinical testing. Allele origin: maternal. Observed: 1 heterozygote.
Comment: PVS1, PM2

NM_021971.4(GMPPB):c.1013_1017dup (p.Gly340fs)

Gene: GMPPB (GDP-mannose pyrophosphorylase B; minus strand). Cytogenetic location: 3p21.31.
Variant type: Duplication.
Coding change: c.1013_1017dup on transcript NM_021971.4 (MANE Select); coding-DNA positions 1013 to 1017, 5 bases duplicated (TCAAC; older notation c.1013_1017dupTCAAC).
Protein change: p.Gly340fs; shifts the reading frame from glycine 340.
Molecular consequence: frameshift variant.
Genome position (GRCh38, 1-based): chr3:49,721,818-49,721,822, GTTGA duplicated on the plus strand (TCAAC on the coding strand, the reverse complement: GMPPB is on the minus strand); duplicating any 5 consecutive bases within chr3:49,721,818-49,721,823 gives the same sequence; the c. name uses the placement nearest the transcript's 3' end. VCF-style (leftmost placement, unchanged base first): chr3-49721817-C-CGTTGA. GRCh37 (hg19) VCF-style: chr3-49759250-C-CGTTGA.
Other names: c.1094_1098dup, p.Gly367fs (NM_013334.4); c.1012_1016dup (NM_021971.4); short protein forms G340fs, G367fs.
Identifiers: ClinVar variation 3764631 (VCV003764631.1).